The following is an entry in ClinVar:

NM_000093.5(COL5A1):c.2332-5T>G

Gene: COL5A1 (collagen type V alpha 1 chain; plus strand). Cytogenetic location: 9q34.3.
Variant type: single nucleotide variant.
Coding change: c.2332-5T>G on transcript NM_000093.5 (MANE Select); 5 bases into the intron before coding-DNA position 2332, T replaced by G.
Molecular consequence: intron variant.
Genome position (GRCh38, 1-based): chr9:134,774,854, T>G. VCF-style: chr9-134774854-T-G. GRCh37 (hg19) VCF-style: chr9-137666700-T-G.
Other names: c.2332-5T>G (NM_001278074.1).
Identifiers: ClinVar variation 1403740 (VCV001403740.8), dbSNP rs2132747878, ClinGen allele CA2573144138.
Genomic context (GRCh38, chr9:134,774,854, plus strand): 5'-CCTGATGTTCCCCAGGCACCTCCACACTGGCATGGGGCTAACGGTCTTTTTCTGTTTGGT[T>G]TTAGGGTCCACCTGGCCCCCAGGGTCCGATTGGCTACCCAGGTCCTCGAGGAGTCAAGGT-3'

ClinVar aggregate classification (germline): Uncertain significance (1 of 4 stars; one submission).

Conditions:
Ehlers-Danlos syndrome, classic type, 1 (EDSCL1). Also called: EHLERS-DANLOS SYNDROME, GRAVIS TYPE; EHLERS-DANLOS SYNDROME, SEVERE CLASSIC TYPE; Ehlers-Danlos syndrome, type 1; Ehlers-Danlos Syndrome, Classic Type, COL5A1-Related; EDS I. Identifiers: MedGen C0268335, MONDO:0019567, OMIM 130000.

Allele frequency attached by ClinVar (database versions not stated): gnomAD exomes below 0.00001.
gnomAD v4.1: 2 of 1,613,588 alleles (0.00012%); highest among the groups gnomAD compares: Non-Finnish European, 0.00017%; no homozygotes.

Submission:

Labcorp Genetics (formerly Invitae), Labcorp
Classification: Uncertain significance for Ehlers-Danlos syndrome, classic type, 1. Last evaluated: 2021-03-07. Review status: criteria provided, single submitter. Criteria: Invitae Variant Classification Sherloc (09022015). Collection method: clinical testing. Allele origin: germline.
Comment: In summary, the available evidence is currently insufficient to determine the role of this variant in disease. Therefore, it has been classified as a Variant of Uncertain Significance. Algorithms developed to predict the effect of sequence changes on RNA splicing suggest that this variant may disrupt the consensus splice site, but this prediction has not been confirmed by published transcriptional studies. This variant has not been reported in the literature in individuals with COL5A1-related conditions. This variant is not present in population databases (ExAC no frequency). This sequence change falls in intron 26 of the COL5A1 gene. It does not directly change the encoded amino acid sequence of the COL5A1 protein.